The following is an entry in ClinVar:

ClinVar aggregate classification (germline): Uncertain significance (1 of 4 stars; one submission).

Conditions:
Epidermolysis bullosa simplex 5B, with muscular dystrophy (EBS5B). Also called: EPIDERMOLYSIS BULLOSA SIMPLEX AND LIMB-GIRDLE MUSCULAR DYSTROPHY; Epidermolysis bullosa simplex with muscular dystrophy. Identifiers: Orphanet 257, MedGen C2931072, MONDO:0009181, OMIM 226670.
Epidermolysis bullosa simplex 5C, with pyloric atresia (EBS5C). Also called: PLEC1-Related Epidermolysis Bullosa with Pyloric Atresia; PLEC-Related Epidermolysis Bullosa with Pyloric Atresia; Epidermolysis bullosa simplex with pyloric atresia. Identifiers: Orphanet 158684, MedGen C2677349, MONDO:0012807, OMIM 612138.
Epidermolysis bullosa simplex, Ogna type (EBS5A). Also called: Pidermolysis bullosa simplex 5A, Ogna type; EPIDERMOLYSIS BULLOSA SIMPLEX 5A, OGNA TYPE. Identifiers: Orphanet 79401, MedGen C0432317, MONDO:0007555, OMIM 131950.
Autosomal recessive limb-girdle muscular dystrophy type 2Q (LGMDR17). Also called: MUSCULAR DYSTROPHY, LIMB-GIRDLE, AUTOSOMAL RECESSIVE 17. Identifiers: Orphanet 254361, MedGen C3150989, MONDO:0013390, OMIM 613723.
Epidermolysis bullosa simplex with nail dystrophy (EBS5D). Identifiers: MedGen C4225309, MONDO:0014661, OMIM 616487.

Allele frequency attached by ClinVar (database versions not stated): gnomAD 0.00001; TOPMed 0.00001.
gnomAD v4.1: 3 of 1,612,878 alleles (0.00019%); highest among the groups gnomAD compares: Non-Finnish European, 0.00025%; no homozygotes.

Submission:

Labcorp Genetics (formerly Invitae), Labcorp
Classification: Uncertain significance for Autosomal recessive limb-girdle muscular dystrophy type 2Q; Epidermolysis bullosa simplex, Ogna type; Epidermolysis bullosa simplex with nail dystrophy; Epidermolysis bullosa simplex 5C, with pyloric atresia; Epidermolysis bullosa simplex 5B, with muscular dystrophy. Last evaluated: 2026-01-12. Review status: criteria provided, single submitter. Criteria: Invitae Variant Classification Sherloc (09022015). Collection method: clinical testing. Allele origin: germline.
Comment: This sequence change replaces valine, which is neutral and non-polar, with glycine, which is neutral and non-polar, at codon 3584 of the PLEC protein (p.Val3584Gly). This variant is not present in population databases (gnomAD no frequency). This variant has not been reported in the literature in individuals affected with PLEC-related conditions. ClinVar contains an entry for this variant (Variation ID: 1492598). An algorithm developed to predict the effect of missense changes on protein structure and function (PolyPhen-2) suggests that this variant is likely to be tolerated. In summary, the available evidence is currently insufficient to determine the role of this variant in disease. Therefore, it has been classified as a Variant of Uncertain Significance.

NM_201384.3(PLEC):c.10670T>G (p.Val3557Gly)

Gene: PLEC (plectin; minus strand). Cytogenetic location: 8q24.3.
Variant type: single nucleotide variant.
Coding change: c.10670T>G on transcript NM_201384.3 (MANE Select); coding-DNA position 10670, T replaced by G.
Protein change: p.Val3557Gly; replaces valine 3557 with glycine.
Molecular consequence: missense variant.
Genome position (GRCh38, 1-based): chr8:143,919,151, A>C on the plus strand (T>G on the coding strand, the complement: PLEC is on the minus strand). VCF-style: chr8-143919151-A-C. GRCh37 (hg19) VCF-style: chr8-144993319-A-C.
Other names: c.10751T>G, p.Val3584Gly (NM_000445.5); c.10628T>G, p.Val3543Gly (NM_201378.4); c.10604T>G, p.Val3535Gly (NM_201379.3); c.11081T>G, p.Val3694Gly (NM_201380.4); c.10574T>G, p.Val3525Gly (NM_201381.3); c.10670T>G, p.Val3557Gly (NM_201382.4); c.10682T>G, p.Val3561Gly (NM_201383.3); short protein forms V3543G, V3584G, V3525G, V3535G, V3561G, V3557G, V3694G.
Identifiers: ClinVar variation 1492598 (VCV001492598.6), dbSNP rs782192702, ClinGen allele CA372497184.